The following is an entry in ClinVar:

NM_001267550.2(TTN):c.17778G>T (p.Lys5926Asn)

Gene: TTN (titin; minus strand). Cytogenetic location: 2q31.2.
Variant type: single nucleotide variant.
Coding change: c.17778G>T on transcript NM_001267550.2 (MANE Select); coding-DNA position 17778, G replaced by T.
Protein change: p.Lys5926Asn; replaces lysine 5926 with asparagine.
Molecular consequence: missense variant. On other transcripts: intron variant (3).
Genome position (GRCh38, 1-based): chr2:178,730,755, C>A on the plus strand (G>T on the coding strand, the complement: TTN is on the minus strand). VCF-style: chr2-178730755-C-A. GRCh37 (hg19) VCF-style: chr2-179595482-C-A.
Other names: c.16827G>T, p.Lys5609Asn (NM_001256850.1); c.14046G>T, p.Lys4682Asn (NM_133378.4); c.13282+7327G>T (NM_003319.4); c.13858+7327G>T (NM_133437.4); c.13657+7327G>T (NM_133432.3); short protein forms K4682N, K5609N, K5926N.
Identifiers: ClinVar variation 1217784 (VCV001217784.3), dbSNP rs755607488, ClinGen allele CA2001740.
Genomic context (GRCh38, chr2:178,730,755, plus strand): 5'-ATGTGACCCAGCCACTATACATTCTAAATCAATGAAAGAACCTTTAATGCTGTCCATTTT[C>A]TTCAGCTTTTTGGTGAATGAAGGAGGTATGATAAGATCTATTCAATGAAAAAGCAAACAA-3'
Protein context (NP_001254479.2, residues 5916-5936): IIPPSFTKKL[Lys5926Asn]KMDSIKGSFI

ClinVar aggregate classification (germline): Uncertain significance (1 of 4 stars; one submission).

Allele frequency attached by ClinVar (database versions not stated): ExAC 0.00001; gnomAD exomes 0.00001; TOPMed 0.00001.
gnomAD v4.1: 3 of 1,607,310 alleles (0.00019%); highest among the groups gnomAD compares: Admixed American, 0.005%; no homozygotes.

Submission:

GeneDx
Classification: Uncertain significance. Last evaluated: 2020-09-23. Review status: criteria provided, single submitter. Criteria: GeneDx Variant Classification Process June 2021. Collection method: clinical testing. Allele origin: germline. Affected: yes.
Comment: Not observed at a significant frequency in large population cohorts (Lek et al., 2016); Missense variant in a gene in which most reported pathogenic variants are truncating/loss-of-function; Has not been previously published as pathogenic or benign to our knowledge